The following is an entry in ClinVar:

ClinVar aggregate classification (germline): Uncertain significance. Review status: criteria provided, multiple submitters, no conflicts (2 of 4 stars). 2 submissions from 2 submitters: Uncertain significance (2). Last evaluated 2025-02-11.

Conditions:
MTOR-related disorder. Also called: MTOR-related condition.

gnomAD v4.1: 1 of 1,613,974 alleles (0.000062%); highest among the groups gnomAD compares: Non-Finnish European, 0.000085%; no homozygotes.

Submissions (2):

PreventionGenetics, part of Exact Sciences
Classification: Uncertain significance for MTOR-related condition. Last evaluated: 2025-02-11. Review status: criteria provided, single submitter. Criteria: ACMG Guidelines, 2015. Collection method: clinical testing. Allele origin: germline.
Comment: The MTOR c.5921A>G variant is predicted to result in the amino acid substitution p.Tyr1974Cys. To our knowledge, this variant has not been reported in the literature or in a large population database (gnomAD), indicating this variant is rare. At this time, the clinical significance of this variant is uncertain due to the absence of conclusive functional and genetic evidence.

Blueprint Genetics
Classification: Uncertain significance. Last evaluated: 2018-10-09. Review status: criteria provided, single submitter. Criteria: ACMG Guidelines, 2015. Collection method: clinical testing. Allele origin: germline.

NM_004958.4(MTOR):c.5921A>G (p.Tyr1974Cys)

Gene: MTOR (mechanistic target of rapamycin kinase; minus strand). Cytogenetic location: 1p36.22.
Variant type: single nucleotide variant.
Coding change: c.5921A>G on transcript NM_004958.4 (MANE Select); coding-DNA position 5921, A replaced by G.
Protein change: p.Tyr1974Cys; replaces tyrosine 1974 with cysteine.
Molecular consequence: missense variant.
Genome position (GRCh38, 1-based): chr1:11,128,116, T>C on the plus strand (A>G on the coding strand, the complement: MTOR is on the minus strand). VCF-style: chr1-11128116-T-C. GRCh37 (hg19) VCF-style: chr1-11188173-T-C.
Other names: c.5921A>G, p.Tyr1974Cys (NM_001386500.1); c.4673A>G, p.Tyr1558Cys (NM_001386501.1); short protein forms Y1558C, Y1974C.
Identifiers: ClinVar variation 4955415 (VCV004955415.2).